The following is an entry in ClinVar:

NM_152468.5(TMC8):c.*7C>A

Gene: TMC8 (transmembrane channel like 8; plus strand). Cytogenetic location: 17q25.3.
Variant type: single nucleotide variant.
Coding change: c.*7C>A on transcript NM_152468.5 (MANE Select); 7 bases downstream of the stop codon, C replaced by A.
Molecular consequence: 3 prime UTR variant.
Genome position (GRCh38, 1-based): chr17:78,141,119, C>A. VCF-style: chr17-78141119-C-A. GRCh37 (hg19) VCF-style: chr17-76137200-C-A.
Identifiers: ClinVar variation 3047250 (VCV003047250.2), dbSNP rs753988232, ClinGen allele CA8797151.

ClinVar aggregate classification (germline): Likely benign (0 of 4 stars; one submission).

Conditions:
TMC8-related disorder. Also called: TMC8-related condition.

Allele frequency attached by ClinVar (database versions not stated): ExAC 0.00003; TOPMed 0.00004; gnomAD 0.00001.
gnomAD v4.1: 25 of 1,537,904 alleles (0.0016%); highest among the groups gnomAD compares: East Asian, 0.055%; no homozygotes.

Submission:

PreventionGenetics, part of Exact Sciences
Classification: Likely benign for TMC8-related condition. Last evaluated: 2020-09-30. Review status: no assertion criteria provided. Collection method: clinical testing. Allele origin: germline.
Comment: This variant is classified as likely benign based on ACMG/AMP sequence variant interpretation guidelines (Richards et al. 2015 PMID: 25741868, with internal and published modifications).